The following is an entry in ClinVar:

NM_006612.6(KIF1C):c.3086C>T (p.Pro1029Leu)

Gene: KIF1C (kinesin family member 1C; plus strand). Cytogenetic location: 17p13.2.
Variant type: single nucleotide variant.
Coding change: c.3086C>T on transcript NM_006612.6 (MANE Select); coding-DNA position 3086, C replaced by T.
Protein change: p.Pro1029Leu; replaces proline 1029 with leucine.
Molecular consequence: missense variant.
Genome position (GRCh38, 1-based): chr17:5,023,925, C>T. VCF-style: chr17-5023925-C-T. GRCh37 (hg19) VCF-style: chr17-4927220-C-T.
Other names: short protein forms P1029L.
Identifiers: ClinVar variation 1962224 (VCV001962224.5), dbSNP rs755562244, ClinGen allele CA8319478.

ClinVar aggregate classification (germline): Uncertain significance (1 of 4 stars; one submission).

Conditions:
Spastic ataxia 2. Also called: Ataxia, spastic, 2, autosomal recessive. Identifiers: Orphanet 397946, MedGen C1969796, MONDO:0012651, OMIM 611302.

Allele frequency attached by ClinVar (database versions not stated): ExAC 0.00001; TOPMed 0.00004; gnomAD 0.00005; gnomAD exomes 0.00005.
gnomAD v4.1: 93 of 1,568,166 alleles (0.0059%); highest among the groups gnomAD compares: Non-Finnish European, 0.007%; no homozygotes.

Submission:

Labcorp Genetics (formerly Invitae), Labcorp
Classification: Uncertain significance for Spastic ataxia 2. Last evaluated: 2022-06-17. Review status: criteria provided, single submitter. Criteria: Invitae Variant Classification Sherloc (09022015). Collection method: clinical testing. Allele origin: germline.
Comment: In summary, the available evidence is currently insufficient to determine the role of this variant in disease. Therefore, it has been classified as a Variant of Uncertain Significance. This sequence change replaces proline, which is neutral and non-polar, with leucine, which is neutral and non-polar, at codon 1029 of the KIF1C protein (p.Pro1029Leu). This variant is present in population databases (rs755562244, gnomAD 0.002%). This variant has not been reported in the literature in individuals affected with KIF1C-related conditions. Algorithms developed to predict the effect of missense changes on protein structure and function are either unavailable or do not agree on the potential impact of this missense change (SIFT: "Deleterious"; PolyPhen-2: "Possibly Damaging"; Align-GVGD: "Class C0").